The following is an entry in ClinVar:

ClinVar aggregate classification (germline): Uncertain significance (1 of 4 stars; one submission).

gnomAD v4.1: 1 of 1,605,918 alleles (0.000062%); highest among the groups gnomAD compares: Non-Finnish European, 0.000085%; no homozygotes.

Submission:

GeneDx
Classification: Uncertain significance. Last evaluated: 2019-06-14. Review status: criteria provided, single submitter. Criteria: GeneDx Variant Classification Process June 2021. Collection method: clinical testing. Allele origin: germline. Affected: yes.
Comment: Not observed at a significant frequency in large population cohorts (Lek et al., 2016); In silico analysis, which includes protein predictors and evolutionary conservation, supports a deleterious effect; Has not been previously published as pathogenic or benign to our knowledge

NM_152416.4(NDUFAF6):c.874G>T (p.Val292Phe)

Gene: NDUFAF6 (NADH:ubiquinone oxidoreductase complex assembly factor 6; plus strand). Cytogenetic location: 8q22.1.
Variant type: single nucleotide variant.
Coding change: c.874G>T on transcript NM_152416.4 (MANE Select); coding-DNA position 874, G replaced by T.
Protein change: p.Val292Phe; replaces valine 292 with phenylalanine.
Molecular consequence: missense variant. On other transcripts: non-coding transcript variant (3), intron variant (1).
Genome position (GRCh38, 1-based): chr8:95,057,809, G>T. VCF-style: chr8-95057809-G-T. GRCh37 (hg19) VCF-style: chr8-96070037-G-T.
Other names: c.598G>T, p.Val200Phe (NM_001330582.2, NM_001354514.2, NM_001354515.2); c.718G>T, p.Val240Phe (NM_001354516.2); c.541G>T, p.Val181Phe (NM_001354517.2, NM_001354518.2, NM_001354519.2 and 1 more transcripts); c.418G>T, p.Val140Phe (NM_001354522.2, NM_001354524.2, NM_001354525.2 and 7 more transcripts); c.483+9251G>T (NM_001354534.2); short protein forms V140F, V181F, V200F, V240F, V292F.
Identifiers: ClinVar variation 1186727 (VCV001186727.2), dbSNP rs368684155, ClinGen allele CA4814953.